The following is an entry in ClinVar:

ClinVar aggregate classification (germline): Likely benign. Review status: criteria provided, multiple submitters, no conflicts (2 of 4 stars). 3 submissions from 3 submitters: Likely benign (2). 1 of the submissions does not count toward it. Last evaluated 2025-07-19.

Conditions:
ATP2B2-related disorder. Also called: ATP2B2-related condition.

Allele frequency attached by ClinVar (database versions not stated): gnomAD exomes 0.00011 and 0.00022; ExAC 0.00027; gnomAD 0.00058 and 0.00060; TOPMed 0.00063; 1000 Genomes Project 0.00080; 1000 Genomes Project 30x 0.00109.
gnomAD v4.1: 250 of 1,614,106 alleles (0.015%); highest among the groups gnomAD compares: African/African-American, 0.18%; 1 homozygote.

Submissions (3):

Labcorp Genetics (formerly Invitae), Labcorp
Classification: Likely benign. Last evaluated: 2025-07-19. Review status: criteria provided, single submitter. Criteria: Invitae Variant Classification Sherloc (09022015). Collection method: clinical testing. Allele origin: germline.

Blueprint Genetics
Classification: Likely benign. Last evaluated: 2023-06-09. Review status: criteria provided, single submitter. Criteria: ACMG Guidelines, 2015. Collection method: clinical testing. Allele origin: germline.

PreventionGenetics, part of Exact Sciences
Classification: Likely benign for ATP2B2-related condition. Last evaluated: 2020-02-14. Review status: no assertion criteria provided. Collection method: clinical testing. Allele origin: germline. Not counted in ClinVar's aggregate classification.
Comment: This variant is classified as likely benign based on ACMG/AMP sequence variant interpretation guidelines (Richards et al. 2015 PMID: 25741868, with internal and published modifications).

NM_001001331.4(ATP2B2):c.630T>G (p.Val210=)

Gene: ATP2B2 (ATPase plasma membrane Ca2+ transporting 2; minus strand). Cytogenetic location: 3p25.3.
Variant type: single nucleotide variant.
Coding change: c.630T>G on transcript NM_001001331.4 (MANE Select); coding-DNA position 630, T replaced by G.
Protein change: p.Val210=; no amino-acid change (valine 210 retained).
Molecular consequence: synonymous variant.
Genome position (GRCh38, 1-based): chr3:10,402,116, A>C on the plus strand (T>G on the coding strand, the complement: ATP2B2 is on the minus strand). VCF-style: chr3-10402116-A-C. GRCh37 (hg19) VCF-style: chr3-10443800-A-C.
Other names: c.630T>G (NM_001683.3); c.630T>G, p.Val210= (NM_001330611.3, NM_001353564.1, NM_001363862.1 and 1 more transcripts).
Identifiers: ClinVar variation 1660807 (VCV001660807.11), dbSNP rs565715444, ClinGen allele CA2253973.
Genomic context (GRCh38, chr3:10,402,116, plus strand): 5'-GCTTTAGAACCTGGCTCTGTGGCTGGGACACTTACCATATTTGACCTGGGCTATGTCCCC[A>C]ACCACGATCTCAGCCACAGGGATCTGGACCACCTGGCCAGCCCGGACCACGGTAAATTTC-3'
Protein context (NP_001001331.1, residues 200-220): VVQIPVAEIV[Val210=]GDIAQVKYGD